The following is an entry in ClinVar:

NM_201525.4(ADGRG1):c.703G>A (p.Ala235Thr)

Gene: ADGRG1 (adhesion G protein-coupled receptor G1; plus strand). Cytogenetic location: 16q21.
Variant type: single nucleotide variant.
Coding change: c.703G>A on transcript NM_201525.4 (MANE Select); coding-DNA position 703, G replaced by A.
Protein change: p.Ala235Thr; replaces alanine 235 with threonine.
Molecular consequence: missense variant.
Genome position (GRCh38, 1-based): chr16:57,654,068, G>A. VCF-style: chr16-57654068-G-A. GRCh37 (hg19) VCF-style: chr16-57687980-G-A.
Other names: c.703G>A, p.Ala235Thr (NM_001145770.3, NM_001145771.3, NM_001145772.3 and 16 more transcripts); c.718G>A, p.Ala240Thr (NM_001145773.3, NM_001370433.1); c.193G>A, p.Ala65Thr (NM_001290142.2); c.178G>A, p.Ala60Thr (NM_001290143.2, NM_001290144.2, NM_001370451.1 and 2 more transcripts); c.547G>A, p.Ala183Thr (NM_001370442.1); c.703G>A (NM_005682.5); short protein forms A183T, A235T, A240T, A60T, A65T.
Identifiers: ClinVar variation 1195942 (VCV001195942.6), dbSNP rs139207635, ClinGen allele CA8078483.
Genomic context (GRCh38, chr16:57,654,068, plus strand): 5'-AAACTGACCTCTGTGAGATTCATGGGGGACATGGTGTCCTTCGAGGAGGACCGGATCAAC[G>A]CCACGGTGTGGAAGCTCCAGCCCACAGCCGGCCTCCAGGACCTGCACATCCACTCCCGGC-3'
Protein context (NP_958933.1, residues 225-245): MVSFEEDRIN[Ala235Thr]TVWKLQPTAG

ClinVar aggregate classification (germline): Uncertain significance. Review status: criteria provided, multiple submitters, no conflicts (2 of 4 stars). 3 submissions from 3 submitters: Uncertain significance (3). Last evaluated 2022-09-06.

Conditions:
Bilateral frontoparietal polymicrogyria. Also called: CEREBELLAR ATAXIA WITH NEURONAL MIGRATION DEFECT; CORTICAL DYSPLASIA, COMPLEX, WITH OTHER BRAIN MALFORMATIONS 14A (BILATERAL FRONTOPARIETAL). Identifiers: Orphanet 101070, MedGen C1847352, MONDO:0011738, OMIM 606854.
Inborn genetic diseases. Identifiers: MedGen C0950123, MeSH D030342.

Allele frequency attached by ClinVar (database versions not stated): gnomAD 0.00001; gnomAD exomes 0.00002; TOPMed 0.00002; ExAC 0.00003; ESP Exome Variant Server 0.00008; 1000 Genomes Project 0.00020; 1000 Genomes Project 30x 0.00031.
gnomAD v4.1: 27 of 1,613,964 alleles (0.0017%); highest among the groups gnomAD compares: Admixed American, 0.0033%; no homozygotes.

Submissions (3):

Labcorp Genetics (formerly Invitae), Labcorp
Classification: Uncertain significance. Last evaluated: 2022-09-06. Review status: criteria provided, single submitter. Criteria: Invitae Variant Classification Sherloc (09022015). Collection method: clinical testing. Allele origin: germline.
Comment: This sequence change replaces alanine, which is neutral and non-polar, with threonine, which is neutral and polar, at codon 235 of the ADGRG1 protein (p.Ala235Thr). This variant is present in population databases (rs139207635, gnomAD 0.007%). This variant has not been reported in the literature in individuals affected with ADGRG1-related conditions. ClinVar contains an entry for this variant (Variation ID: 1195942). Algorithms developed to predict the effect of missense changes on protein structure and function are either unavailable or do not agree on the potential impact of this missense change (SIFT: "Deleterious"; PolyPhen-2: "Probably Damaging"; Align-GVGD: "Class C0"). In summary, the available evidence is currently insufficient to determine the role of this variant in disease. Therefore, it has been classified as a Variant of Uncertain Significance.

Ambry Genetics
Classification: Uncertain significance for Inborn genetic diseases. Last evaluated: 2022-02-02. Review status: criteria provided, single submitter. Criteria: Ambry Variant Classification Scheme 2023. Collection method: clinical testing. Allele origin: germline.

Genome-Nilou Lab
Classification: Uncertain significance for Bilateral frontoparietal polymicrogyria. Last evaluated: 2021-07-14. Review status: criteria provided, single submitter. Criteria: ACMG Guidelines, 2015. Collection method: clinical testing. Allele origin: germline. Affected: no.